The following is an entry in ClinVar:

ClinVar aggregate classification (germline): Uncertain significance (1 of 4 stars; one submission).

Conditions:
KBG syndrome (KBGS). Also called: ANKRD11-Related KBG Syndrome. Identifiers: Orphanet 2332, MedGen C0220687, MONDO:0007846, OMIM 148050.

Submission:

Labcorp Genetics (formerly Invitae), Labcorp
Classification: Uncertain significance for KBG syndrome. Last evaluated: 2023-12-01. Review status: criteria provided, single submitter. Criteria: Invitae Variant Classification Sherloc (09022015). Collection method: clinical testing. Allele origin: germline.
Comment: This variant, c.2823_2825del, results in the deletion of 1 amino acid(s) of the ANKRD11 protein (p.Arg942del), but otherwise preserves the integrity of the reading frame. This variant is present in population databases (rs772713030, gnomAD 0.04%), and has an allele count higher than expected for a pathogenic variant. This variant has not been reported in the literature in individuals affected with ANKRD11-related conditions. Experimental studies and prediction algorithms are not available or were not evaluated, and the functional significance of this variant is currently unknown. In summary, the available evidence is currently insufficient to determine the role of this variant in disease. Therefore, it has been classified as a Variant of Uncertain Significance.

NM_013275.6(ANKRD11):c.2820GAG[1] (p.Arg942del)

Gene: ANKRD11 (ankyrin repeat domain 11; minus strand). Cytogenetic location: 16q24.3.
Variant type: Microsatellite.
Coding change: c.2820GAG[1] on transcript NM_013275.6 (MANE Select); one copy of the 3-base unit GAG starting at c.2820; the reference has two copies in a row; one copy, 3 bases deleted.
Protein change: p.Arg942del; deletes arginine 942.
Molecular consequence: inframe deletion.
Genome position (GRCh38, 1-based): chr16:89,283,717-89,283,719, CTC deleted on the plus strand (GAG on the coding strand, the reverse complement: ANKRD11 is on the minus strand); deleting any 3 consecutive bases within chr16:89,283,717-89,283,722 gives the same sequence; the position shown is the placement nearest the transcript's 3' end. VCF-style (leftmost placement, unchanged base first): chr16-89283716-TCTC-T. GRCh37 (hg19) VCF-style: chr16-89350124-TCTC-T.
Other names: c.2820GAG[1], p.Arg942del (NM_001256182.2, NM_001256183.2); short protein forms R942del.
Identifiers: ClinVar variation 2710031 (VCV002710031.2), dbSNP rs772713030, ClinGen allele CA8242504.
Genomic context (GRCh38, chr16:89,283,716, plus strand): 5'-CCTGCGCTCCTTGCAGCTCTCCAGGGCGTCCTTTCTGTCCCGCCCGGCCTCTGCGGACTC[TCTC>T]CTCTTCTTGTCCTTTTCCGAAAGGTAGCCAGGGACACTTTTATGCTTTTCGGTCTGCTCT-3'